The following is an entry in ClinVar:

NM_003072.5(SMARCA4):c.826C>A (p.Pro276Thr)

Gene: SMARCA4 (SWI/SNF related BAF chromatin remodeling complex subunit ATPase 4; plus strand). Cytogenetic location: 19p13.2.
Variant type: single nucleotide variant.
Coding change: c.826C>A on transcript NM_003072.5 (MANE Select); coding-DNA position 826, C replaced by A.
Protein change: p.Pro276Thr; replaces proline 276 with threonine.
Molecular consequence: missense variant. On other transcripts: non-coding transcript variant (1).
Genome position (GRCh38, 1-based): chr19:10,986,970, C>A. VCF-style: chr19-10986970-C-A. GRCh37 (hg19) VCF-style: chr19-11097646-C-A.
Other names: c.826C>A, p.Pro276Thr (NM_001128844.3, NM_001128845.2, NM_001128846.2 and 5 more transcripts); short protein forms P276T.
Identifiers: ClinVar variation 662239 (VCV000662239.11), dbSNP rs1238171014, ClinGen allele CA404058078.

ClinVar aggregate classification (germline): Uncertain significance. Review status: criteria provided, multiple submitters, no conflicts (2 of 4 stars). 2 submissions from 2 submitters: Uncertain significance (2). Last evaluated 2022-08-25.

Conditions:
Hereditary cancer-predisposing syndrome. Also called: Neoplastic Syndromes, Hereditary; Tumor predisposition; Hereditary neoplastic syndrome; Hereditary Cancer Syndrome. Identifiers: Orphanet 140162, MedGen C0027672, MeSH D009386, MONDO:0015356.
Rhabdoid tumor predisposition syndrome 2 (RTPS2). Identifiers: Orphanet 231108, Orphanet 69077, MedGen C2750074, MONDO:0013224, OMIM 613325.

Submissions (2):

Ambry Genetics
Classification: Uncertain significance for Hereditary cancer-predisposing syndrome. Last evaluated: 2022-08-25. Review status: criteria provided, single submitter. Criteria: Ambry Variant Classification Scheme 2023. Collection method: clinical testing. Allele origin: germline.
Comment: The p.P276T variant (also known as c.826C>A), located in coding exon 4 of the SMARCA4 gene, results from a C to A substitution at nucleotide position 826. The proline at codon 276 is replaced by threonine, an amino acid with highly similar properties. This amino acid position is well conserved in available vertebrate species. In addition, this alteration is predicted to be tolerated by in silico analysis. Missense and in-frame variants in SMARCA4 are known to cause neurodevelopmental disorders; however, such associations with rhabdoid tumor predisposition syndrome including small cell carcinoma of the ovary-hypercalcemic type (SCCOHT) are exceedingly rare (Kosho T et al. Am J Med Genet C Semin Med Genet. 2014 Sep;166C(3):262-75; Jelinic P et al. Nat Genet. 2014 May;46(5):424-6). Based on the supporting evidence, the association of this alteration with Coffin-Siris syndrome is unknown; however, the association of this alteration with rhabdoid tumor predisposition syndrome is unlikely.

Labcorp Genetics (formerly Invitae), Labcorp
Classification: Uncertain significance for Rhabdoid tumor predisposition syndrome 2. Last evaluated: 2018-12-04. Review status: criteria provided, single submitter. Criteria: Invitae Variant Classification Sherloc (09022015). Collection method: clinical testing. Allele origin: germline.
Comment: This sequence change replaces proline with threonine at codon 276 of the SMARCA4 protein (p.Pro276Thr). The proline residue is highly conserved and there is a small physicochemical difference between proline and threonine. This variant is not present in population databases (ExAC no frequency). This variant has not been reported in the literature in individuals with SMARCA4-related conditions. Algorithms developed to predict the effect of missense changes on protein structure and function (SIFT, PolyPhen-2, Align-GVGD) all suggest that this variant is likely to be tolerated, but these predictions have not been confirmed by published functional studies and their clinical significance is uncertain. In summary, the available evidence is currently insufficient to determine the role of this variant in disease. Therefore, it has been classified as a Variant of Uncertain Significance.